The following is an entry in ClinVar:

NM_002875.5(RAD51):c.740G>A (p.Arg247Lys)

Gene: RAD51 (RAD51 recombinase; plus strand). Cytogenetic location: 15q15.1.
Variant type: single nucleotide variant.
Coding change: c.740G>A on transcript NM_002875.5 (MANE Select); coding-DNA position 740, G replaced by A.
Protein change: p.Arg247Lys; replaces arginine 247 with lysine.
Molecular consequence: missense variant.
Genome position (GRCh38, 1-based): chr15:40,729,600, G>A. VCF-style: chr15-40729600-G-A. GRCh37 (hg19) VCF-style: chr15-41021798-G-A.
Other names: c.743G>A, p.Arg248Lys (NM_001164269.2, NM_133487.4); c.740G>A, p.Arg247Lys (NM_001164270.2); short protein forms R247K, R248K.
Identifiers: ClinVar variation 2560846 (VCV002560846.2), dbSNP rs1329200373, ClinGen allele CA391759122.

ClinVar aggregate classification (germline): Uncertain significance (1 of 4 stars; one submission).

Conditions:
Inborn genetic diseases. Identifiers: MedGen C0950123, MeSH D030342.

Allele frequency attached by ClinVar (database versions not stated): gnomAD 0.00001.
gnomAD v4.1: 5 of 1,613,932 alleles (0.00031%); highest among the groups gnomAD compares: Non-Finnish European, 0.00034%; no homozygotes.

Submission:

Ambry Genetics
Classification: Uncertain significance for Inborn genetic diseases. Last evaluated: 2023-05-19. Review status: criteria provided, single submitter. Criteria: Ambry Variant Classification Scheme 2023. Collection method: clinical testing. Allele origin: germline.
Comment: The p.R247K variant (also known as c.740G>A), located in coding exon 7 of the RAD51 gene, results from a G to A substitution at nucleotide position 740. The arginine at codon 247 is replaced by lysine, an amino acid with highly similar properties. This amino acid position is conserved. In addition, the in silico prediction for this alteration is inconclusive. Since supporting evidence is limited at this time, the clinical significance of this alteration remains unclear.